The following is an entry in ClinVar:

ClinVar aggregate classification (germline): Likely pathogenic (1 of 4 stars; one submission).

Conditions:
Christianson syndrome (MRXSCH). Also called: X-linked mental retardation, syndromic, Christianson type; SLC9A6-Related Syndromic Mental Retardation; INTELLECTUAL DEVELOPMENTAL DISORDER, X-LINKED, SYNDROMIC, CHRISTIANSON TYPE. Identifiers: Orphanet 85278, MedGen C2678194, MONDO:0010278, OMIM 300243.

Submission:

3billion
Classification: Likely pathogenic for Christianson syndrome. Last evaluated: 2021-10-02. Review status: criteria provided, single submitter. Criteria: ACMG Guidelines, 2015. Collection method: clinical testing. Allele origin: maternal. Affected: yes. Observed: 1 hemizygote.
Comment: Frameshift: predicted to result in a loss or disruption of normal protein function through nonsense-mediated decay (NMD) or protein truncation. Multiple pathogenic variants are reported downstream of the variant (PVS1_VS). It is not observed in the gnomAD v2.1.1 dataset (PM2). Therefore, this variant is classified as likely pathogenic according to the recommendation of ACMG/AMP guideline.

NM_001379110.1(SLC9A6):c.1423_1424insCA (p.Gly475fs)

Gene: SLC9A6 (solute carrier family 9 member A6; plus strand). Cytogenetic location: Xq26.3.
Variant type: Insertion.
Coding change: c.1423_1424insCA on transcript NM_001379110.1 (MANE Select); coding-DNA positions 1423 to 1424, CA inserted.
Protein change: p.Gly475fs; shifts the reading frame from glycine 475.
Molecular consequence: frameshift variant.
Genome position: GRCh38 VCF-style: chrX-136024446-G-GCA. GRCh37 (hg19) VCF-style: chrX-135106605-G-GCA.
Other names: c.1579_1580insCA, p.Gly527fs (NM_001042537.2); c.1423_1424insCA, p.Gly475fs (NM_001177651.2); c.1327_1328insCA, p.Gly443fs (NM_001330652.2); c.1483_1484insCA, p.Gly495fs (NM_006359.3); short protein forms G443fs, G475fs, G495fs, G527fs.
Identifiers: ClinVar variation 1320143 (VCV001320143.1), dbSNP rs2148189993, ClinGen allele CA2573055114.